The following is an entry in ClinVar:

ClinVar aggregate classification (germline): Benign/Likely benign. Review status: criteria provided, multiple submitters, no conflicts (2 of 4 stars). 9 submissions from 9 submitters: Benign (1); Likely benign (7). 1 of the submissions does not count toward it. Last evaluated 2026-08-01.

Conditions:
Glycogen storage disease, type VII (GSD7). Also called: MUSCLE PHOSPHOFRUCTOKINASE DEFICIENCY; PFKM DEFICIENCY; TARUI DISEASE; GSD VII. Identifiers: Orphanet 371, MedGen C0017926, MONDO:0009295, OMIM 232800.

Allele frequency attached by ClinVar (database versions not stated): 1000 Genomes Project 0.00140; 1000 Genomes Project 30x 0.00141; ExAC 0.00208; ESP Exome Variant Server 0.00208; gnomAD exomes 0.00212 and 0.00350; gnomAD 0.00229 and 0.00243; TOPMed 0.00229.
gnomAD v4.1: 5,473 of 1,614,088 alleles (0.34%); highest among the groups gnomAD compares: Non-Finnish European, 0.41%; 14 homozygotes.

Submissions (9):

CeGaT Center for Human Genetics Tuebingen
Classification: Likely benign. Last evaluated: 2026-08-01. Review status: criteria provided, single submitter. Criteria: CeGaT Center For Human Genetics Tuebingen Variant Classification Criteria Version 2. Collection method: clinical testing. Allele origin: germline. Affected: yes. Observed: 15 variant alleles.
Comment: PFKM: BP4, BP7, BS2

ARUP Laboratories, Molecular Genetics and Genomics, ARUP Laboratories
Classification: Likely benign for Glycogen storage disease, type VII. Last evaluated: 2025-06-05. Review status: criteria provided, single submitter. Criteria: ARUP Molecular Germline Variant Investigation Process 2024. Collection method: clinical testing. Allele origin: germline.

Mayo Clinic Laboratories, Mayo Clinic
Classification: Likely benign. Last evaluated: 2025-05-14. Review status: criteria provided, single submitter. Criteria: ACMG Guidelines, 2015. Collection method: clinical testing. Allele origin: germline. Observed: 4 variant alleles.
Comment: BS1, BP4, BP7

Blueprint Genetics
Classification: Likely benign. Last evaluated: 2024-11-27. Review status: criteria provided, single submitter. Criteria: ACMG Guidelines, 2015. Collection method: clinical testing. Allele origin: germline.

GeneDx
Classification: Likely benign. Last evaluated: 2021-08-13. Review status: criteria provided, single submitter. Criteria: GeneDx Variant Classification Process June 2021. Collection method: clinical testing. Allele origin: germline. Affected: yes.

Labcorp Genetics (formerly Invitae), Labcorp
Classification: Benign for Glycogen storage disease, type VII. Last evaluated: 2019-12-31. Review status: criteria provided, single submitter. Criteria: Invitae Variant Classification Sherloc (09022015). Collection method: clinical testing. Allele origin: germline.

Illumina Laboratory Services, Illumina
Classification: Likely benign for Glycogen storage disease, type VII. Last evaluated: 2018-01-13. Review status: criteria provided, single submitter. Criteria: ICSL Variant Classification Criteria 13 December 2019. Collection method: clinical testing. Allele origin: germline.
Comment: This variant was observed in the ICSL laboratory as part of a predisposition screen in an ostensibly healthy population. It had not been previously curated by ICSL or reported in the Human Gene Mutation Database (HGMD: prior to June 1st, 2018), and was therefore a candidate for classification through an automated scoring system. Utilizing variant allele frequency, disease prevalence and penetrance estimates, and inheritance mode, an automated score was calculated to assess if this variant is too frequent to cause the disease. Based on the score and internal cut-off values, a variant classified as likely benign is not then subjected to further curation. The score for this variant resulted in a classification of likely benign for this disease.

Breakthrough Genomics
Classification: Likely benign. Review status: criteria provided, single submitter. Criteria: ACMG Guidelines, 2015. Collection method: not provided. Allele origin: germline. Inheritance: Autosomal recessive inheritance. Affected: yes.

Natera, Inc.
Classification: Benign for Glycogen storage disease type VII. Last evaluated: 2020-09-16. Review status: no assertion criteria provided. Collection method: clinical testing. Allele origin: germline. Not counted in ClinVar's aggregate classification.

NM_000289.6(PFKM):c.1338G>A (p.Gly446=)

Gene: PFKM (phosphofructokinase, muscle; plus strand). Cytogenetic location: 12q13.11.
Variant type: single nucleotide variant.
Coding change: c.1338G>A on transcript NM_000289.6 (MANE Select); coding-DNA position 1338, G replaced by A.
Protein change: p.Gly446=; no amino-acid change (glycine 446 retained).
Molecular consequence: synonymous variant. On other transcripts: non-coding transcript variant (6).
Genome position (GRCh38, 1-based): chr12:48,140,868, G>A. VCF-style: chr12-48140868-G-A. GRCh37 (hg19) VCF-style: chr12-48534651-G-A.
Other names: p.Gly446=; c.1551G>A, p.Gly517= (NM_001166686.2, NM_001354737.1, NM_001354738.1 and 1 more transcripts); c.1338G>A, p.Gly446= (NM_001166687.2, NM_001166688.2, NM_001354742.2 and 2 more transcripts); c.1647G>A, p.Gly549= (NM_001354735.1, NM_001354736.1); c.1482G>A, p.Gly494= (NM_001354740.1); c.1362G>A, p.Gly454= (NM_001354741.2); c.1251G>A, p.Gly417= (NM_001354745.2); c.1212G>A, p.Gly404= (NM_001354746.2); and 2 more.
Identifiers: ClinVar variation 308955 (VCV000308955.60), dbSNP rs150378513, ClinGen allele CA6537311.
Genomic context (GRCh38, chr12:48,140,868, plus strand): 5'-CCTTATCCAGGGCAACCGAGTGCTCGTTGTCCATGATGGTTTCGAGGGCCTGGCCAAGGG[G>A]CAGGTATGGGGACTATTCTGGGACCTAGGAGCAGTCATGGGGAAGATAAGTGTAGCAAGA-3'
Protein context (NP_000280.1, residues 436-456): VHDGFEGLAK[Gly446=]QIEEAGWSYV